The following is an entry in ClinVar:

ClinVar aggregate classification (germline): Uncertain significance. Review status: criteria provided, multiple submitters, no conflicts (2 of 4 stars). 4 submissions from 4 submitters: Uncertain significance (4). Last evaluated 2025-02-23.

Conditions:
Cardiovascular phenotype. Identifiers: MedGen CN230736.
Juvenile myelomonocytic leukemia (JMML). Also called: LEUKEMIA, JUVENILE MYELOMONOCYTIC, SOMATIC. Identifiers: Orphanet 86834, MedGen C0349639, MONDO:0011908, OMIM 607785, HP:0012209.
CBL-related disorder. Also called: CBL MUTATION-ASSOCIATED SYNDROME; CBL SYNDROME; NOONAN SYNDROME-LIKE DISORDER WITHOUT JUVENILE MYELOMONOCYTIC LEUKEMIA. Identifiers: Orphanet 363972, MedGen C3150803, MONDO:0013308, OMIM 613563.
RASopathy. Also called: rasopathies; Noonan spectrum disorder. Identifiers: Orphanet 536391, MedGen C5555857, MONDO:0021060.

Allele frequency attached by ClinVar (database versions not stated): gnomAD 0.00001 and 0.00002; gnomAD exomes 0.00001; TOPMed 0.00001; ExAC 0.00002; ESP Exome Variant Server 0.00008.

Submissions (4):

Labcorp Genetics (formerly Invitae), Labcorp
Classification: Uncertain significance for RASopathy. Last evaluated: 2025-02-23. Review status: criteria provided, single submitter. Criteria: Invitae Variant Classification Sherloc (09022015). Collection method: clinical testing. Allele origin: germline.
Comment: This sequence change replaces arginine, which is basic and polar, with cysteine, which is neutral and slightly polar, at codon 96 of the CBL protein (p.Arg96Cys). This variant is present in population databases (rs147438359, gnomAD 0.003%). This variant has not been reported in the literature in individuals affected with CBL-related conditions. ClinVar contains an entry for this variant (Variation ID: 1018257). Invitae Evidence Modeling of protein sequence and biophysical properties (such as structural, functional, and spatial information, amino acid conservation, physicochemical variation, residue mobility, and thermodynamic stability) indicates that this missense variant is not expected to disrupt CBL protein function with a negative predictive value of 95%. In summary, the available evidence is currently insufficient to determine the role of this variant in disease. Therefore, it has been classified as a Variant of Uncertain Significance.

Ambry Genetics
Classification: Uncertain significance for Cardiovascular phenotype. Last evaluated: 2024-11-24. Review status: criteria provided, single submitter. Criteria: Ambry Variant Classification Scheme 2023. Collection method: clinical testing. Allele origin: germline.
Comment: The p.R96C variant (also known as c.286C>T), located in coding exon 2 of the CBL gene, results from a C to T substitution at nucleotide position 286. The arginine at codon 96 is replaced by cysteine, an amino acid with highly dissimilar properties. This amino acid position is conserved. In addition, this alteration is predicted to be deleterious by in silico analysis. Since supporting evidence is limited at this time, the clinical significance of this alteration remains unclear.

AiLife Diagnostics
Classification: Uncertain significance. Last evaluated: 2021-11-15. Review status: criteria provided, single submitter. Criteria: ACMG Guidelines, 2015. Collection method: clinical testing. Allele origin: germline. Affected: yes. Observed: 1 variant allele.

Fulgent Genetics
Classification: Uncertain significance for Juvenile myelomonocytic leukemia; CBL-related disorder. Last evaluated: 2021-10-07. Review status: criteria provided, single submitter. Criteria: ACMG Guidelines, 2015. Collection method: clinical testing. Allele origin: unknown.

NM_005188.4(CBL):c.286C>T (p.Arg96Cys)

Gene: CBL (Cbl proto-oncogene; plus strand). Cytogenetic location: 11q23.3.
Variant type: single nucleotide variant.
Coding change: c.286C>T on transcript NM_005188.4 (MANE Select); coding-DNA position 286, C replaced by T.
Protein change: p.Arg96Cys; replaces arginine 96 with cysteine.
Molecular consequence: missense variant.
Genome position (GRCh38, 1-based): chr11:119,232,538, C>T. VCF-style: chr11-119232538-C-T. GRCh37 (hg19) VCF-style: chr11-119103248-C-T.
Other names: c.286C>T (NM_005188.2); short protein forms R96C.
Identifiers: ClinVar variation 1018257 (VCV001018257.13), dbSNP rs147438359, ClinGen allele CA6318251.